The following is an entry in ClinVar:

ClinVar aggregate classification (germline): Uncertain significance (1 of 4 stars; one submission).

Conditions:
COG5-congenital disorder of glycosylation. Also called: COG5-CDG; CONGENITAL DISORDER OF GLYCOSYLATION, TYPE IIi; CDG IIi. Identifiers: Orphanet 263487, MedGen C3150876, MONDO:0013325, OMIM 613612.

Allele frequency attached by ClinVar (database versions not stated): ExAC 0.00001; gnomAD 0.00001; TOPMed 0.00001.
gnomAD v4.1: 5 of 1,613,812 alleles (0.00031%); highest among the groups gnomAD compares: Non-Finnish European, 0.00025%; no homozygotes.

Submission:

Labcorp Genetics (formerly Invitae), Labcorp
Classification: Uncertain significance for COG5-congenital disorder of glycosylation. Last evaluated: 2022-07-12. Review status: criteria provided, single submitter. Criteria: Invitae Variant Classification Sherloc (09022015). Collection method: clinical testing. Allele origin: germline.
Comment: This sequence change replaces glutamine, which is neutral and polar, with lysine, which is basic and polar, at codon 91 of the COG5 protein (p.Gln91Lys). The frequency data for this variant in the population databases is considered unreliable, as metrics indicate poor data quality at this position in the gnomAD database. This variant has not been reported in the literature in individuals affected with COG5-related conditions. Algorithms developed to predict the effect of missense changes on protein structure and function are either unavailable or do not agree on the potential impact of this missense change (SIFT: "Tolerated"; PolyPhen-2: "Possibly Damaging"; Align-GVGD: "Class C0"). In summary, the available evidence is currently insufficient to determine the role of this variant in disease. Therefore, it has been classified as a Variant of Uncertain Significance.

NM_006348.5(COG5):c.178C>A (p.Gln60Lys)

Gene: COG5 (component of oligomeric golgi complex 5; minus strand). Cytogenetic location: 7q22.3.
Variant type: single nucleotide variant.
Coding change: c.178C>A on transcript NM_006348.5 (MANE Select); coding-DNA position 178, C replaced by A.
Protein change: p.Gln60Lys; replaces glutamine 60 with lysine.
Molecular consequence: missense variant.
Genome position (GRCh38, 1-based): chr7:107,558,032, G>T on the plus strand (C>A on the coding strand, the complement: COG5 is on the minus strand). VCF-style: chr7-107558032-G-T. GRCh37 (hg19) VCF-style: chr7-107198477-G-T.
Other names: c.178C>A, p.Gln60Lys (NM_001161520.2, NM_001379511.1, NM_001379512.1 and 5 more transcripts); short protein forms Q60K.
Identifiers: ClinVar variation 2150733 (VCV002150733.1), dbSNP rs746304615, ClinGen allele CA4431516.